The following is an entry in ClinVar:

ClinVar aggregate classification (germline): Uncertain significance (1 of 4 stars; one submission).

Allele frequency attached by ClinVar (database versions not stated): ExAC 0.00002; TOPMed 0.00002; gnomAD 0.00003.
gnomAD v4.1: 11 of 1,196,728 alleles (0.00092%); highest among the groups gnomAD compares: African/African-American, 0.007%; no homozygotes.

Submission:

Labcorp Genetics (formerly Invitae), Labcorp
Classification: Uncertain significance. Last evaluated: 2023-01-24. Review status: criteria provided, single submitter. Criteria: Invitae Variant Classification Sherloc (09022015). Collection method: clinical testing. Allele origin: germline.
Comment: This sequence change replaces aspartic acid, which is acidic and polar, with asparagine, which is neutral and polar, at codon 383 of the NYX protein (p.Asp383Asn). The frequency data for this variant in the population databases is considered unreliable, as metrics indicate poor data quality at this position in the gnomAD database. This variant has not been reported in the literature in individuals affected with NYX-related conditions. Algorithms developed to predict the effect of missense changes on protein structure and function output the following: SIFT: "Tolerated"; PolyPhen-2: "Benign"; Align-GVGD: "Class C0". The asparagine amino acid residue is found in multiple mammalian species, which suggests that this missense change does not adversely affect protein function. In summary, the available evidence is currently insufficient to determine the role of this variant in disease. Therefore, it has been classified as a Variant of Uncertain Significance.

NM_001378477.3(NYX):c.1132G>A (p.Asp378Asn)

Gene: NYX (nyctalopin; plus strand). Cytogenetic location: Xp11.4.
Variant type: single nucleotide variant.
Coding change: c.1132G>A on transcript NM_001378477.3 (MANE Select); coding-DNA position 1132, G replaced by A.
Protein change: p.Asp378Asn; replaces aspartic acid 378 with asparagine.
Molecular consequence: missense variant.
Genome position (GRCh38, 1-based): chrX:41,474,600, G>A. VCF-style: chrX-41474600-G-A. GRCh37 (hg19) VCF-style: chrX-41333853-G-A.
Other names: c.1132G>A, p.Asp378Asn (NM_022567.3); short protein forms D378N.
Identifiers: ClinVar variation 2999074 (VCV002999074.3), dbSNP rs756209419, ClinGen allele CA10389912.